The following is an entry in ClinVar:

NM_177438.3(DICER1):c.980G>A (p.Arg327Lys)

Gene: DICER1 (dicer 1, ribonuclease III; minus strand). Cytogenetic location: 14q32.13.
Variant type: single nucleotide variant.
Coding change: c.980G>A on transcript NM_177438.3 (MANE Select); coding-DNA position 980, G replaced by A.
Protein change: p.Arg327Lys; replaces arginine 327 with lysine.
Molecular consequence: missense variant.
Genome position (GRCh38, 1-based): chr14:95,124,592, C>T on the plus strand (G>A on the coding strand, the complement: DICER1 is on the minus strand). VCF-style: chr14-95124592-C-T. GRCh37 (hg19) VCF-style: chr14-95590929-C-T.
Other names: c.980G>A (NM_177438.2); c.980G>A, p.Arg327Lys (NM_001195573.1, NM_001271282.3, NM_001291628.2 and 1 more transcripts); short protein forms R327K.
Identifiers: ClinVar variation 1392854 (VCV001392854.8), dbSNP rs2140207361, ClinGen allele CA390887241.

ClinVar aggregate classification (germline): Uncertain significance. Review status: criteria provided, multiple submitters, no conflicts (2 of 4 stars). 2 submissions from 2 submitters: Uncertain significance (2). Last evaluated 2026-04-13.

Conditions:
Hereditary cancer-predisposing syndrome. Also called: Neoplastic Syndromes, Hereditary; Tumor predisposition; Hereditary Cancer Syndrome; Hereditary neoplastic syndrome. Identifiers: Orphanet 140162, MedGen C0027672, MeSH D009386, MONDO:0015356.
DICER1-related tumor predisposition. Also called: DICER1 syndrome; DICER1-related pleuropulmonary blastoma cancer predisposition syndrome. Identifiers: Orphanet 284343, MedGen C3839822, MONDO:0100216.

Submissions (2):

Ambry Genetics
Classification: Uncertain significance for Hereditary cancer-predisposing syndrome. Last evaluated: 2026-04-13. Review status: criteria provided, single submitter. Criteria: Ambry Variant Classification Scheme 2023. Collection method: clinical testing. Allele origin: germline.
Comment: The p.R327K variant (also known as c.980G>A), located in coding exon 7 of the DICER1 gene, results from a G to A substitution at nucleotide position 980. The arginine at codon 327 is replaced by lysine, an amino acid with highly similar properties. This amino acid position is conserved. In addition, the in silico prediction for this alteration is inconclusive. Based on the available evidence, the clinical significance of this variant remains unclear.

Labcorp Genetics (formerly Invitae), Labcorp
Classification: Uncertain significance for DICER1-related tumor predisposition. Last evaluated: 2023-04-23. Review status: criteria provided, single submitter. Criteria: Invitae Variant Classification Sherloc (09022015). Collection method: clinical testing. Allele origin: germline.
Comment: In summary, the available evidence is currently insufficient to determine the role of this variant in disease. Therefore, it has been classified as a Variant of Uncertain Significance. Advanced modeling of protein sequence and biophysical properties (such as structural, functional, and spatial information, amino acid conservation, physicochemical variation, residue mobility, and thermodynamic stability) performed at Invitae indicates that this missense variant is not expected to disrupt DICER1 protein function. ClinVar contains an entry for this variant (Variation ID: 1392854). This variant has not been reported in the literature in individuals affected with DICER1-related conditions. This variant is not present in population databases (gnomAD no frequency). This sequence change replaces arginine, which is basic and polar, with lysine, which is basic and polar, at codon 327 of the DICER1 protein (p.Arg327Lys).